The following is an entry in ClinVar:

NM_001384140.1(PCDH15):c.4310C>T (p.Pro1437Leu)

Gene: PCDH15 (protocadherin related 15; minus strand). Cytogenetic location: 10q21.1.
Variant type: single nucleotide variant.
Coding change: c.4310C>T on transcript NM_001384140.1 (MANE Select); coding-DNA position 4310, C replaced by T.
Protein change: p.Pro1437Leu; replaces proline 1437 with leucine.
Molecular consequence: missense variant.
Genome position (GRCh38, 1-based): chr10:53,827,450, G>A on the plus strand (C>T on the coding strand, the complement: PCDH15 is on the minus strand). VCF-style: chr10-53827450-G-A. GRCh37 (hg19) VCF-style: chr10-55587210-G-A.
Other names: NM_001384140.1:c.4310C>T; c.4325C>T, p.Pro1442Leu (NM_001142763.2, NM_001142771.2); c.4310C>T, p.Pro1437Leu (NM_001142764.2, NM_001142770.3, NM_001142772.2 and 3 more transcripts); c.4097C>T, p.Pro1366Leu (NM_001142765.2); c.4301C>T, p.Pro1434Leu (NM_001142766.2); c.4190C>T, p.Pro1397Leu (NM_001142767.2); c.4244C>T, p.Pro1415Leu (NM_001142768.2, NM_001354404.2); c.4346C>T, p.Pro1449Leu (NM_001142769.4); and 2 more; short protein forms P1412L, P1434L, P1442L, P1444L, P1397L, P1437L, P1449L, P1366L.
Identifiers: ClinVar variation 2412656 (VCV002412656.1), dbSNP rs750591897, ClinGen allele CA5505375.

ClinVar aggregate classification (germline): Uncertain significance (1 of 4 stars; one submission).

Conditions:
Usher syndrome type 1F (USH1F). Also called: USHER SYNDROME, TYPE IF. Identifiers: Orphanet 231169, Orphanet 886, MedGen C1865885, MONDO:0011186, OMIM 602083.

Allele frequency attached by ClinVar (database versions not stated): ExAC 0.00001; gnomAD 0.00001; TOPMed 0.00001.
gnomAD v4.1: 9 of 1,613,290 alleles (0.00056%); highest among the groups gnomAD compares: Middle Eastern, 0.016%; no homozygotes.

Submission:

Broad Center for Mendelian Genomics, Broad Institute of MIT and Harvard
Classification: Uncertain significance for Usher syndrome type 1F. Last evaluated: 2023-01-24. Review status: criteria provided, single submitter. Criteria: ACMG Guidelines, 2015. Collection method: curation. Allele origin: germline. Inheritance: Autosomal recessive inheritance.
Comment: The p.Pro1437Leu variant in PCDH15 has been reported in 1 individual, in the compound heterozygous state, with Usher syndrome type 1F (PMID: 32048449) and has been identified in 0.006% (1/18126) of East Asian chromosomes by the Genome Aggregation Database (gnomAD; dbSNP ID: rs750591897). Although this variant has been seen in the general population in a heterozygous state, its frequency is low enough to be consistent with a recessive carrier frequency. Computational prediction tools, including splice predictors, and conservation analyses suggest that this variant may not impact the protein, though this information is not predictive enough to rule out pathogenicity. In summary, the clinical significance of the p.Pro1437Leu variant is uncertain. ACMG/AMP Criteria applied: BP4, PM2_supporting (Richards 2015).